The following is an entry in ClinVar:

ClinVar aggregate classification (germline): Uncertain significance. Review status: criteria provided, multiple submitters, no conflicts (2 of 4 stars). 2 submissions from 2 submitters: Uncertain significance (2). Last evaluated 2025-08-11.

Conditions:
Gorlin syndrome. Also called: Nevoid Basal Cell Carcinoma Syndrome; Basal cell nevus syndrome. Identifiers: Orphanet 377, MedGen C0004779, MONDO:0007187.

Allele frequency attached by ClinVar (database versions not stated): gnomAD exomes 0.00002 and 0.00003; TOPMed 0.00003; gnomAD 0.00006.
gnomAD v4.1: 35 of 1,614,062 alleles (0.0022%); highest among the groups gnomAD compares: Non-Finnish European, 0.0029%; no homozygotes.

Submissions (2):

Labcorp Genetics (formerly Invitae), Labcorp
Classification: Uncertain significance for Gorlin syndrome. Last evaluated: 2025-08-11. Review status: criteria provided, single submitter. Criteria: Invitae Variant Classification Sherloc (09022015). Collection method: clinical testing. Allele origin: germline.
Comment: This sequence change replaces threonine, which is neutral and polar, with asparagine, which is neutral and polar, at codon 615 of the PTCH2 protein (p.Thr615Asn). This variant is present in population databases (rs528004785, gnomAD 0.007%). This variant has not been reported in the literature in individuals affected with PTCH2-related conditions. ClinVar contains an entry for this variant (Variation ID: 941723). Invitae Evidence Modeling of protein sequence and biophysical properties (such as structural, functional, and spatial information, amino acid conservation, physicochemical variation, residue mobility, and thermodynamic stability) indicates that this missense variant is not expected to disrupt PTCH2 protein function with a negative predictive value of 80%. In summary, the available evidence is currently insufficient to determine the role of this variant in disease. Therefore, it has been classified as a Variant of Uncertain Significance.

Ambry Genetics
Classification: Uncertain significance. Last evaluated: 2023-03-22. Review status: criteria provided, single submitter. Criteria: Ambry Variant Classification Scheme 2023. Collection method: clinical testing. Allele origin: germline.

NM_003738.5(PTCH2):c.1844C>A (p.Thr615Asn)

Gene: PTCH2 (patched 2; minus strand). Cytogenetic location: 1p34.1.
Variant type: single nucleotide variant.
Coding change: c.1844C>A on transcript NM_003738.5 (MANE Select); coding-DNA position 1844, C replaced by A.
Protein change: p.Thr615Asn; replaces threonine 615 with asparagine.
Molecular consequence: missense variant.
Genome position (GRCh38, 1-based): chr1:44,828,057, G>T on the plus strand (C>A on the coding strand, the complement: PTCH2 is on the minus strand). VCF-style: chr1-44828057-G-T. GRCh37 (hg19) VCF-style: chr1-45293729-G-T.
Other names: c.1844C>A, p.Thr615Asn (NM_001166292.2); short protein forms T615N.
Identifiers: ClinVar variation 941723 (VCV000941723.12), dbSNP rs528004785, ClinGen allele CA21745206.